The following is an entry in ClinVar:

NM_000093.5(COL5A1):c.3412G>T (p.Gly1138Trp)

Gene: COL5A1 (collagen type V alpha 1 chain; plus strand). Cytogenetic location: 9q34.3.
Variant type: single nucleotide variant.
Coding change: c.3412G>T on transcript NM_000093.5 (MANE Select); coding-DNA position 3412, G replaced by T.
Protein change: p.Gly1138Trp; replaces glycine 1138 with tryptophan.
Molecular consequence: missense variant.
Genome position (GRCh38, 1-based): chr9:134,809,228, G>T. VCF-style: chr9-134809228-G-T. GRCh37 (hg19) VCF-style: chr9-137701074-G-T.
Other names: c.3412G>T, p.Gly1138Trp (NM_001278074.1); short protein forms G1138W.
Identifiers: ClinVar variation 1515268 (VCV001515268.8), dbSNP rs2132838695, ClinGen allele CA375452952.
Genomic context (GRCh38, chr9:134,809,228, plus strand): 5'-TTCTGTATTCTCTAGGGCGAGAAAGGCCCACAAGGCCCAGCTGGCCGAGACGGTCTCCAG[G>T]GGCCTGTGGGGCTCCCGGGTCCAGCTGGCCCTGTGGGTCCCCCTGGAGAAGACGGAGATA-3'
Protein context (NP_000084.3, residues 1128-1148): QGPAGRDGLQ[Gly1138Trp]PVGLPGPAGP

ClinVar aggregate classification (germline): Uncertain significance (1 of 4 stars; one submission).

Conditions:
Ehlers-Danlos syndrome, classic type, 1 (EDSCL1). Also called: EHLERS-DANLOS SYNDROME, GRAVIS TYPE; EHLERS-DANLOS SYNDROME, SEVERE CLASSIC TYPE; Ehlers-Danlos syndrome, type 1; Ehlers-Danlos Syndrome, Classic Type, COL5A1-Related; EDS I. Identifiers: MedGen C0268335, MONDO:0019567, OMIM 130000.

Allele frequency attached by ClinVar (database versions not stated): 1000 Genomes Project 30x 0.00016.

Submission:

Labcorp Genetics (formerly Invitae), Labcorp
Classification: Uncertain significance for Ehlers-Danlos syndrome, classic type, 1. Last evaluated: 2022-07-12. Review status: criteria provided, single submitter. Criteria: Invitae Variant Classification Sherloc (09022015). Collection method: clinical testing. Allele origin: germline.
Comment: This variant disrupts the triple helix domain of COL5A1. Glycine residues within the Gly-Xaa-Yaa repeats of the triple helix domain are required for the structure and stability of fibrillar collagens (PMID: 7695699, 8218237, 19344236), and variants at these glycine residues in COL5A1 are more frequently observed in individuals with disease than in the general population (PMID: 22696272, 23587214). However, the clinical significance of this observation remains uncertain since only a limited number of affected individuals have been described to date. In summary, the available evidence is currently insufficient to determine the role of this variant in disease. Therefore, it has been classified as a Variant of Uncertain Significance. Advanced modeling of protein sequence and biophysical properties (such as structural, functional, and spatial information, amino acid conservation, physicochemical variation, residue mobility, and thermodynamic stability) performed at Invitae indicates that this missense variant is expected to disrupt COL5A1 protein function. ClinVar contains an entry for this variant (Variation ID: 1515268). This variant has not been reported in the literature in individuals affected with COL5A1-related conditions. This variant is not present in population databases (gnomAD no frequency). This sequence change replaces glycine, which is neutral and non-polar, with tryptophan, which is neutral and slightly polar, at codon 1138 of the COL5A1 protein (p.Gly1138Trp).

Literature cited by the submitters: PubMed 7695699; PubMed 8218237; PubMed 19344236; PubMed 22696272; PubMed 23587214.